The following is an entry in ClinVar:

ClinVar aggregate classification (germline): Uncertain significance. Review status: criteria provided, multiple submitters, no conflicts (2 of 4 stars). 2 submissions from 2 submitters: Uncertain significance (2). Last evaluated 2026-07-13.

Conditions:
Long QT syndrome (LQTS). Identifiers: MedGen C0023976, MeSH D008133, MONDO:0002442. Disease mechanism: loss of function. Inheritance: Various modes of inheritance.
Cardiovascular phenotype. Identifiers: MedGen CN230736.

Allele frequency attached by ClinVar (database versions not stated): ExAC 0.00001; gnomAD exomes 0.00001.
gnomAD v4.1: 5 of 1,614,148 alleles (0.00031%); highest among the groups gnomAD compares: Non-Finnish European, 0.00042%; no homozygotes.

Submissions (2):

Ambry Genetics
Classification: Uncertain significance for Cardiovascular phenotype. Last evaluated: 2026-07-13. Review status: criteria provided, single submitter. Criteria: Ambry Variant Classification Scheme 2023. Collection method: clinical testing. Allele origin: germline.
Comment: The c.11686+4C>T intronic variant results from a C to T substitution 4 nucleotides after coding exon 49 in the AKAP9 gene. This nucleotide position is well conserved in available vertebrate species. In silico splice site analysis predicts that this alteration may weaken the native splice donor site. The evidence for this gene-disease relationship is limited; therefore, the clinical significance of this variant is unclear.

Labcorp Genetics (formerly Invitae), Labcorp
Classification: Uncertain significance for Long QT syndrome. Last evaluated: 2025-08-25. Review status: criteria provided, single submitter. Criteria: Invitae Variant Classification Sherloc (09022015). Collection method: clinical testing. Allele origin: germline.
Comment: This sequence change falls in intron 49 of the AKAP9 gene. It does not directly change the encoded amino acid sequence of the AKAP9 protein. It affects a nucleotide within the consensus splice site. This variant is present in population databases (rs767584253, gnomAD 0.0009%). This variant has not been reported in the literature in individuals affected with AKAP9-related conditions. ClinVar contains an entry for this variant (Variation ID: 1738630). Variants that disrupt the consensus splice site are a relatively common cause of aberrant splicing (PMID: 17576681, 9536098). Algorithms developed to predict the effect of sequence changes on RNA splicing suggest that this variant may disrupt the consensus splice site. In summary, the available evidence is currently insufficient to determine the role of this variant in disease. Therefore, it has been classified as a Variant of Uncertain Significance.

Literature cited by the submitters: PubMed 17576681 (cited by Labcorp Genetics (formerly Invitae), Labcorp); PubMed 9536098 (cited by Labcorp Genetics (formerly Invitae), Labcorp).

NM_005751.5(AKAP9):c.11686+4C>T

Gene: AKAP9 (A-kinase anchoring protein 9; plus strand). Cytogenetic location: 7q21.2.
Variant type: single nucleotide variant.
Coding change: c.11686+4C>T on transcript NM_005751.5 (MANE Select); 4 bases into the intron after coding-DNA position 11686, C replaced by T.
Molecular consequence: intron variant.
Genome position (GRCh38, 1-based): chr7:92,108,637, C>T. VCF-style: chr7-92108637-C-T. GRCh37 (hg19) VCF-style: chr7-91737951-C-T.
Other names: c.11662+4C>T (NM_147185.3); c.6331+4C>T (NM_001379277.1).
Identifiers: ClinVar variation 1738630 (VCV001738630.4), dbSNP rs767584253, ClinGen allele CA4338249.